The following is an entry in ClinVar:

ClinVar aggregate classification (germline): Uncertain significance (1 of 4 stars; one submission).

Allele frequency attached by ClinVar (database versions not stated): TOPMed below 0.00001; gnomAD 0.00001.
gnomAD v4.1: 10 of 1,613,870 alleles (0.00062%); highest among the groups gnomAD compares: East Asian, 0.0045%; no homozygotes.

Submission:

Labcorp Genetics (formerly Invitae), Labcorp
Classification: Uncertain significance. Last evaluated: 2022-08-10. Review status: criteria provided, single submitter. Criteria: Invitae Variant Classification Sherloc (09022015). Collection method: clinical testing. Allele origin: germline.
Comment: In summary, the available evidence is currently insufficient to determine the role of this variant in disease. Therefore, it has been classified as a Variant of Uncertain Significance. Algorithms developed to predict the effect of sequence changes on RNA splicing suggest that this variant may disrupt the consensus splice site. ClinVar contains an entry for this variant (Variation ID: 1426506). This variant has not been reported in the literature in individuals affected with SZT2-related conditions. This variant is present in population databases (no rsID available, gnomAD 0.004%). This sequence change falls in intron 27 of the SZT2 gene. It does not directly change the encoded amino acid sequence of the SZT2 protein.

NM_001365999.1(SZT2):c.4167-9A>G

Gene: SZT2 (SZT2 subunit of KICSTOR complex; plus strand). Cytogenetic location: 1p34.2.
Variant type: single nucleotide variant.
Coding change: c.4167-9A>G on transcript NM_001365999.1 (MANE Select); 9 bases into the intron before coding-DNA position 4167, A replaced by G.
Molecular consequence: intron variant.
Genome position (GRCh38, 1-based): chr1:43,429,694, A>G. VCF-style: chr1-43429694-A-G. GRCh37 (hg19) VCF-style: chr1-43895365-A-G.
Other names: c.3996-9A>G (NM_015284.4).
Identifiers: ClinVar variation 1426506 (VCV001426506.6), dbSNP rs755916712, ClinGen allele CA522508511.